The following is an entry in ClinVar:

NM_012082.4(ZFPM2):c.1038C>T (p.Ser346=)

Genes: ZFPM2 (zinc finger protein, FOG family member 2; plus strand), ZFPM2-AS1 (ZFPM2 antisense RNA 1; minus strand). Cytogenetic location: 8q23.1.
Variant type: single nucleotide variant.
Coding change: c.1038C>T on transcript NM_012082.4 (MANE Select); coding-DNA position 1038, C replaced by T.
Protein change: p.Ser346=; no amino-acid change (serine 346 retained).
Molecular consequence: synonymous variant.
Genome position (GRCh38, 1-based): chr8:105,801,120, C>T. VCF-style: chr8-105801120-C-T. GRCh37 (hg19) VCF-style: chr8-106813348-C-T.
Other names: c.879C>T, p.Ser293= (NM_001362836.2); c.642C>T, p.Ser214= (NM_001362837.2); c.1038C>T (NM_012082.3).
Identifiers: ClinVar variation 2705374 (VCV002705374.7), dbSNP rs200678280, ClinGen allele CA4839695.

ClinVar aggregate classification (germline): Likely benign. Review status: criteria provided, multiple submitters, no conflicts (2 of 4 stars). 3 submissions from 3 submitters: Likely benign (2). 1 of the submissions does not count toward it. Last evaluated 2026-05-01.

Conditions:
ZFPM2-related disorder. Also called: ZFPM2-related condition.
46,XY sex reversal 9 (SRXY9). Also called: 46,XY SEX REVERSAL, ZFPM2-RELATED. Identifiers: Orphanet 251510, MedGen C4015129, MONDO:0014480, OMIM 616067.

Allele frequency attached by ClinVar (database versions not stated): TOPMed 0.00005; gnomAD 0.00006; ESP Exome Variant Server 0.00008.
gnomAD v4.1: 229 of 1,613,808 alleles (0.014%); highest among the groups gnomAD compares: Non-Finnish European, 0.017%; no homozygotes.

Submissions (3):

CeGaT Center for Human Genetics Tuebingen
Classification: Likely benign. Last evaluated: 2026-05-01. Review status: criteria provided, single submitter. Criteria: CeGaT Center For Human Genetics Tuebingen Variant Classification Criteria Version 2. Collection method: clinical testing. Allele origin: germline. Affected: yes. Observed: 1 variant allele.
Comment: ZFPM2: BP4, BP7

Labcorp Genetics (formerly Invitae), Labcorp
Classification: Likely benign for 46,XY sex reversal 9. Last evaluated: 2025-06-15. Review status: criteria provided, single submitter. Criteria: Invitae Variant Classification Sherloc (09022015). Collection method: clinical testing. Allele origin: germline.

PreventionGenetics, part of Exact Sciences
Classification: Likely benign for ZFPM2-related condition. Last evaluated: 2022-04-08. Review status: no assertion criteria provided. Collection method: clinical testing. Allele origin: germline. Not counted in ClinVar's aggregate classification.
Comment: This variant is classified as likely benign based on ACMG/AMP sequence variant interpretation guidelines (Richards et al. 2015 PMID: 25741868, with internal and published modifications).